The following continues an entry in ClinVar:

NM_000551.4(VHL):c.340+5G>C

Gene: VHL. ClinVar aggregate classification (germline): Benign/Likely benign. Benign (17); Likely benign (3).

Submissions 29 to 40 of 40:

Dr. Peter K. Rogan Lab, Western University
No classification provided (evidence only). Condition: Cholangiocarcinoma. Review status: no classification provided. Collection method: in vitro. Allele origin: not applicable. Functional consequence: retained intron. Not counted in ClinVar's aggregate classification.

Dr. Peter K. Rogan Lab, Western University
No classification provided (evidence only). Condition: Cholangiocarcinoma. Review status: no classification provided. Collection method: in vitro. Allele origin: not applicable. Functional consequence: retained intron. Not counted in ClinVar's aggregate classification.

Dr. Peter K. Rogan Lab, Western University
No classification provided (evidence only). Condition: Ovarian serous cystadenocarcinoma. Review status: no classification provided. Collection method: in vitro. Allele origin: not applicable. Functional consequence: retained intron. Not counted in ClinVar's aggregate classification.

Dr. Peter K. Rogan Lab, Western University
No classification provided (evidence only). Condition: Ovarian serous cystadenocarcinoma. Review status: no classification provided. Collection method: in vitro. Allele origin: not applicable. Functional consequence: retained intron. Not counted in ClinVar's aggregate classification.

Dr. Peter K. Rogan Lab, Western University
No classification provided (evidence only). Condition: Gastric cancer. Review status: no classification provided. Collection method: in vitro. Allele origin: not applicable. Functional consequence: retained intron. Not counted in ClinVar's aggregate classification.

Dr. Peter K. Rogan Lab, Western University
No classification provided (evidence only). Condition: Gastric cancer. Review status: no classification provided. Collection method: in vitro. Allele origin: not applicable. Functional consequence: retained intron. Not counted in ClinVar's aggregate classification.

Dr. Peter K. Rogan Lab, Western University
No classification provided (evidence only). Condition: Gastric cancer. Review status: no classification provided. Collection method: in vitro. Allele origin: not applicable. Functional consequence: retained intron. Not counted in ClinVar's aggregate classification.

Dr. Peter K. Rogan Lab, Western University
No classification provided (evidence only). Condition: Familial pancreatic carcinoma. Review status: no classification provided. Collection method: in vitro. Allele origin: not applicable. Functional consequence: retained intron. Not counted in ClinVar's aggregate classification.

Dr. Peter K. Rogan Lab, Western University
No classification provided (evidence only). Condition: Ovarian cancer. Review status: no classification provided. Collection method: in vitro. Allele origin: not applicable. Functional consequence: retained intron. Not counted in ClinVar's aggregate classification.

Genome Diagnostics Laboratory, Amsterdam University Medical Center
Classification: Benign. Review status: no assertion criteria provided. Collection method: clinical testing. Allele origin: germline. Affected: yes. Study: VKGL Data-share Consensus. Not counted in ClinVar's aggregate classification.

Genome Diagnostics Laboratory, University Medical Center Utrecht
Classification: Likely benign. Review status: no assertion criteria provided. Collection method: clinical testing. Allele origin: germline. Affected: yes. Study: VKGL Data-share Consensus. Not counted in ClinVar's aggregate classification.

Joint Genome Diagnostic Labs from Nijmegen and Maastricht, Radboudumc and MUMC+
Classification: Benign. Review status: no assertion criteria provided. Collection method: clinical testing. Allele origin: germline. Affected: yes. Study: VKGL Data-share Consensus. Not counted in ClinVar's aggregate classification.

Literature cited by the submitters: PubMed 19906784 (cited by 3 submitters); PubMed 9829911 (cited by Athena Diagnostics and Laboratory for Molecular Medicine, Mass General Brigham Personalized Medicine); PubMed 8730290 (cited by Athena Diagnostics and Laboratory for Molecular Medicine, Mass General Brigham Personalized Medicine); PubMed 21972040 (cited by Athena Diagnostics); PubMed 20034980 (cited by Athena Diagnostics); PubMed 22438210 (cited by Athena Diagnostics); PubMed 17024664 (cited by Athena Diagnostics); PubMed 19996202 (cited by Athena Diagnostics); PubMed 20518900 (cited by Athena Diagnostics and Laboratory for Molecular Medicine, Mass General Brigham Personalized Medicine); PubMed 22799452 (cited by Athena Diagnostics and Eurofins Ntd Llc (ga)); PubMed 26332594 (cited by Athena Diagnostics); PubMed 27527340 (cited by Athena Diagnostics); PubMed 25985138 (cited by Athena Diagnostics); PubMed 8956040 (cited by Athena Diagnostics); PubMed 22462637 (cited by Athena Diagnostics and Laboratory for Molecular Medicine, Mass General Brigham Personalized Medicine).